The following is an entry in ClinVar:

NM_001164508.2(NEB):c.1275del (p.Tyr426fs)

Gene: NEB (nebulin; minus strand). Cytogenetic location: 2q23.3.
Variant type: Deletion.
Coding change: c.1275del on transcript NM_001164508.2 (MANE Select); coding-DNA position 1275, one base deleted (C; older notation c.1275delC).
Protein change: p.Tyr426fs; shifts the reading frame from tyrosine 426.
Molecular consequence: frameshift variant.
Genome position (GRCh38, 1-based): chr2:151,697,440, G deleted on the plus strand (C on the coding strand, the reverse complement: NEB is on the minus strand); the first of 2 consecutive G bases (chr2:151,697,440-151,697,441); deleting either gives the same sequence. VCF-style (leftmost placement, unchanged base first): chr2-151697439-AG-A. GRCh37 (hg19) VCF-style: chr2-152553953-AG-A.
Other names: c.1275del, p.Tyr426fs (NM_001164507.2, NM_001271208.2, NM_004543.5); c.1274delC, p.Tyr426Thrfs (NM_001271208.1); short protein forms Y426fs.
Identifiers: ClinVar variation 4814717 (VCV004814717.1).
Genomic context (GRCh38, chr2:151,697,439, plus strand): 5'-AGTGTGAATGGTATGGATCCTCGAAGCTGCCTACATAATGTCCCAAAATATCTTTTAAGT[AG>A]GAATCTTTATATTTTTTCTGCAAGACAAAACATACTTCATTTATTAATTGGTGAAATAAT-3'

ClinVar aggregate classification (germline): Likely pathogenic (1 of 4 stars; one submission).

Conditions:
Nemaline myopathy 2 (NEM2). Also called: Nemaline myopathy 2, autosomal recessive. Identifiers: MedGen C1850569, MONDO:0009725, OMIM 256030.

Submission:

Natera, Inc.
Classification: Likely pathogenic for Nemaline myopathy type 2. Last evaluated: 2025-07-10. Review status: criteria provided, single submitter. Criteria: Natera Variant Classification Schema (03/2026). Collection method: clinical testing. Allele origin: germline.
Comment: The c.1275del variant in NEB is a frameshift variant predicted to shift the reading frame beginning at codon 426 and leads to a stop codon 2 codons downstream. This variant is expected to result in nonsense mediated decay, truncation, or a dysfunctional protein product. This variant is rare in the general population with a frequency below the threshold expected for the associated phenotype(s). Given the available evidence, this variant is classified as Likely Pathogenic.